The following is an entry in ClinVar:

NM_003072.5(SMARCA4):c.791G>A (p.Gly264Glu)

Gene: SMARCA4 (SWI/SNF related BAF chromatin remodeling complex subunit ATPase 4; plus strand). Cytogenetic location: 19p13.2.
Variant type: single nucleotide variant.
Coding change: c.791G>A on transcript NM_003072.5 (MANE Select); coding-DNA position 791, G replaced by A.
Protein change: p.Gly264Glu; replaces glycine 264 with glutamic acid.
Molecular consequence: missense variant. On other transcripts: non-coding transcript variant (1).
Genome position (GRCh38, 1-based): chr19:10,986,935, G>A. VCF-style: chr19-10986935-G-A. GRCh37 (hg19) VCF-style: chr19-11097611-G-A.
Other names: c.791G>A, p.Gly264Glu (NM_001128844.3, NM_001128845.2, NM_001128846.2 and 5 more transcripts); short protein forms G264E.
Identifiers: ClinVar variation 1381909 (VCV001381909.6), dbSNP rs797045988, ClinGen allele CA404057935.

ClinVar aggregate classification (germline): Uncertain significance (1 of 4 stars; one submission).

Conditions:
Rhabdoid tumor predisposition syndrome 2 (RTPS2). Identifiers: Orphanet 231108, Orphanet 69077, MedGen C2750074, MONDO:0013224, OMIM 613325.

Submission:

Labcorp Genetics (formerly Invitae), Labcorp
Classification: Uncertain significance for Rhabdoid tumor predisposition syndrome 2. Last evaluated: 2023-02-18. Review status: criteria provided, single submitter. Criteria: Invitae Variant Classification Sherloc (09022015). Collection method: clinical testing. Allele origin: germline.
Comment: In summary, the available evidence is currently insufficient to determine the role of this variant in disease. Therefore, it has been classified as a Variant of Uncertain Significance. Advanced modeling of protein sequence and biophysical properties (such as structural, functional, and spatial information, amino acid conservation, physicochemical variation, residue mobility, and thermodynamic stability) has been performed at Invitae for this missense variant, however the output from this modeling did not meet the statistical confidence thresholds required to predict the impact of this variant on SMARCA4 protein function. ClinVar contains an entry for this variant (Variation ID: 1381909). This variant has not been reported in the literature in individuals affected with SMARCA4-related conditions. This variant is not present in population databases (gnomAD no frequency). This sequence change replaces glycine, which is neutral and non-polar, with glutamic acid, which is acidic and polar, at codon 264 of the SMARCA4 protein (p.Gly264Glu).